The following is an entry in ClinVar:

ClinVar aggregate classification (germline): Uncertain significance (1 of 4 stars; one submission).

Conditions:
Congenital myasthenic syndrome 8. Also called: Myasthenic syndrome, congenital, 8, with pre- and postsynaptic defects; MYASTHENIC SYNDROME, CONGENITAL, DUE TO AGRIN DEFICIENCY. Identifiers: Orphanet 590, MedGen C3808739, MONDO:0014052, OMIM 615120.

Submission:

Labcorp Genetics (formerly Invitae), Labcorp
Classification: Uncertain significance for Congenital myasthenic syndrome 8. Last evaluated: 2022-06-09. Review status: criteria provided, single submitter. Criteria: Invitae Variant Classification Sherloc (09022015). Collection method: clinical testing. Allele origin: germline.
Comment: This sequence change replaces leucine, which is neutral and non-polar, with arginine, which is basic and polar, at codon 1408 of the AGRN protein (p.Leu1408Arg). In summary, the available evidence is currently insufficient to determine the role of this variant in disease. Therefore, it has been classified as a Variant of Uncertain Significance. Algorithms developed to predict the effect of missense changes on protein structure and function are either unavailable or do not agree on the potential impact of this missense change (SIFT: "Deleterious"; PolyPhen-2: "Probably Damaging"; Align-GVGD: "Class C0"). This variant has not been reported in the literature in individuals affected with AGRN-related conditions. This variant is not present in population databases (gnomAD no frequency).

NM_198576.4(AGRN):c.4223T>G (p.Leu1408Arg)

Gene: AGRN (agrin; plus strand). Cytogenetic location: 1p36.33.
Variant type: single nucleotide variant.
Coding change: c.4223T>G on transcript NM_198576.4 (MANE Select); coding-DNA position 4223, T replaced by G.
Protein change: p.Leu1408Arg; replaces leucine 1408 with arginine.
Molecular consequence: missense variant.
Genome position (GRCh38, 1-based): chr1:1,048,984, T>G. VCF-style: chr1-1048984-T-G. GRCh37 (hg19) VCF-style: chr1-984364-T-G.
Other names: c.4223T>G, p.Leu1408Arg (NM_001305275.2); c.3908T>G, p.Leu1303Arg (NM_001364727.2); short protein forms L1408R, L1303R.
Identifiers: ClinVar variation 2004107 (VCV002004107.4), dbSNP rs2522762917, ClinGen allele CA337776898.